The following is an entry in ClinVar:

ClinVar aggregate classification (germline): Conflicting classifications of pathogenicity. Review status: criteria provided, conflicting classifications (1 of 4 stars). 9 submissions from 9 submitters: Pathogenic (1); Uncertain significance (7); Likely benign (1). Last evaluated 2026-02-01.

Conditions:
Thyroid dyshormonogenesis 6 (TDH6). Also called: HYPOTHYROIDISM, CONGENITAL, DUE TO DYSHORMONOGENESIS, 6; Genetic transient congenital hypothyroidism; THYROID HORMONOGENESIS, GENETIC DEFECT IN, 6. Identifiers: Orphanet 226316, Orphanet 95716, MedGen C1846632, MONDO:0011792, OMIM 607200.
Familial thyroid dyshormonogenesis. Identifiers: Orphanet 95716, MedGen C4273748, MONDO:0010132.

Allele frequency attached by ClinVar (database versions not stated): gnomAD exomes 0.00008; gnomAD 0.00014 and 0.00018; TOPMed 0.00016; ExAC 0.00021; 1000 Genomes Project 30x 0.00031; 1000 Genomes Project 0.00040.
gnomAD v4.1: 236 of 1,595,322 alleles (0.015%); highest among the groups gnomAD compares: Middle Eastern, 0.6%; no homozygotes.

Submissions (9):

Labcorp Genetics (formerly Invitae), Labcorp
Classification: Uncertain significance. Last evaluated: 2026-02-01. Review status: criteria provided, single submitter. Criteria: Invitae Variant Classification Sherloc (09022015). Collection method: clinical testing. Allele origin: germline.
Comment: This sequence change replaces proline, which is neutral and non-polar, with serine, which is neutral and polar, at codon 609 of the DUOX2 protein (p.Pro609Ser). This variant is present in population databases (rs201221237, gnomAD 0.01%). This missense change has been observed in individual(s) with clinical features of DUOX2-related conditions (PMID: 28666341, 28683258, 29546359). ClinVar contains an entry for this variant (Variation ID: 316175). Invitae Evidence Modeling of protein sequence and biophysical properties (such as structural, functional, and spatial information, amino acid conservation, physicochemical variation, residue mobility, and thermodynamic stability) indicates that this missense variant is expected to disrupt DUOX2 protein function with a positive predictive value of 80%. Experimental studies are conflicting or provide insufficient evidence to determine the effect of this variant on DUOX2 function (PMID: 28666341, 28683258). In summary, the available evidence is currently insufficient to determine the role of this variant in disease. Therefore, it has been classified as a Variant of Uncertain Significance.

GeneDx
Classification: Uncertain significance. Last evaluated: 2025-06-12. Review status: criteria provided, single submitter. Criteria: GeneDx Variant Classification Process June 2021. Collection method: clinical testing. Allele origin: germline. Affected: yes.
Comment: Identified in an individual with congenital hypothyroidism and ectopic thryoid in published literature (PMID: 28666341). This individual was also reported to have multiple other variants in the DUOX2 gene, although these variants are classified as benign at GeneDx; Although one published functional study suggests this variant has a damaging effect, another functional study found no evidence of a damaging effect (PMID: 28666341, 28683258); In silico analysis supports that this missense variant has a deleterious effect on protein structure/function; This variant is associated with the following publications: (PMID: 33651715, 34426522, 28683258, 35960392, 35429653, 28666341, 39787321, 38075699, 36978159, 29546359)

Blueprint Genetics
Classification: Uncertain significance. Last evaluated: 2024-11-20. Review status: criteria provided, single submitter. Criteria: ACMG Guidelines, 2015. Collection method: clinical testing. Allele origin: germline.

Molecular Genetics, Royal Melbourne Hospital
Classification: Likely benign for Thyroid dyshormonogenesis 6. Last evaluated: 2024-05-02. Review status: criteria provided, single submitter. Criteria: ACMG Guidelines, 2015. Collection method: clinical testing. Allele origin: germline. Inheritance: Autosomal recessive inheritance.

Department of Pathology and Laboratory Medicine, Sinai Health System
Classification: Uncertain significance for Familial thyroid dyshormonogenesis; Thyroid dyshormonogenesis 6. Last evaluated: 2023-04-08. Review status: criteria provided, single submitter. Criteria: ACMG Guidelines, 2015. Collection method: research. Allele origin: germline.

Revvity Omics, Revvity
Classification: Uncertain significance for Thyroid dyshormonogenesis 6. Last evaluated: 2023-02-02. Review status: criteria provided, single submitter. Criteria: ACMG Guidelines, 2015. Collection method: clinical testing. Allele origin: germline.

CeGaT Center for Human Genetics Tuebingen
Classification: Pathogenic. Last evaluated: 2020-02-01. Review status: criteria provided, single submitter. Criteria: CeGaT Center For Human Genetics Tuebingen Variant Classification Criteria Version 2. Collection method: clinical testing. Allele origin: germline. Affected: yes. Observed: 1 variant allele.

Dubai Health Genomic Medicine Center, Dubai Health
Classification: Uncertain significance for Thyroid dyshormonogenesis 6. Last evaluated: 2020-01-02. Review status: criteria provided, single submitter. Criteria: ACMG Guidelines, 2015. Collection method: clinical testing. Allele origin: germline. Affected: yes.

Illumina Laboratory Services, Illumina
Classification: Uncertain significance for Thyroid dyshormonogenesis 6. Last evaluated: 2018-01-12. Review status: criteria provided, single submitter. Criteria: ICSL Variant Classification Criteria 13 December 2019. Collection method: clinical testing. Allele origin: germline.

Literature cited by the submitters: PubMed 28666341 (cited by Labcorp Genetics (formerly Invitae), Labcorp); PubMed 28683258 (cited by Labcorp Genetics (formerly Invitae), Labcorp); PubMed 29546359 (cited by Labcorp Genetics (formerly Invitae), Labcorp).

NM_001363711.2(DUOX2):c.1825C>T (p.Pro609Ser)

Gene: DUOX2 (dual oxidase 2; minus strand). Cytogenetic location: 15q21.1.
Variant type: single nucleotide variant.
Coding change: c.1825C>T on transcript NM_001363711.2 (MANE Select); coding-DNA position 1825, C replaced by T.
Protein change: p.Pro609Ser; replaces proline 609 with serine.
Molecular consequence: missense variant.
Genome position (GRCh38, 1-based): chr15:45,106,838, G>A on the plus strand (C>T on the coding strand, the complement: DUOX2 is on the minus strand). VCF-style: chr15-45106838-G-A. GRCh37 (hg19) VCF-style: chr15-45399036-G-A.
Other names: c.1825C>T, p.Pro609Ser (NM_014080.5); short protein forms P609S.
Identifiers: ClinVar variation 316175 (VCV000316175.59), dbSNP rs201221237, ClinGen allele CA7538492.